The following is an entry in ClinVar:

ClinVar aggregate classification (germline): Uncertain significance (1 of 4 stars; one submission).

Conditions:
Congenital myasthenic syndrome 8. Also called: Myasthenic syndrome, congenital, 8, with pre- and postsynaptic defects; MYASTHENIC SYNDROME, CONGENITAL, DUE TO AGRIN DEFICIENCY. Identifiers: Orphanet 590, MedGen C3808739, MONDO:0014052, OMIM 615120.

Allele frequency attached by ClinVar (database versions not stated): gnomAD exomes 0.00001.
gnomAD v4.1: 3 of 1,467,900 alleles (0.0002%); highest among the groups gnomAD compares: Non-Finnish European, 0.00027%; no homozygotes.

Submission:

Labcorp Genetics (formerly Invitae), Labcorp
Classification: Uncertain significance for Congenital myasthenic syndrome 8. Last evaluated: 2022-02-10. Review status: criteria provided, single submitter. Criteria: Invitae Variant Classification Sherloc (09022015). Collection method: clinical testing. Allele origin: germline.
Comment: In summary, the available evidence is currently insufficient to determine the role of this variant in disease. Therefore, it has been classified as a Variant of Uncertain Significance. Algorithms developed to predict the effect of missense changes on protein structure and function are either unavailable or do not agree on the potential impact of this missense change (SIFT: "Tolerated"; PolyPhen-2: "Not Available"; Align-GVGD: "Class C0"). ClinVar contains an entry for this variant (Variation ID: 657693). This variant has not been reported in the literature in individuals affected with AGRN-related conditions. This variant is not present in population databases (gnomAD no frequency). This sequence change replaces proline, which is neutral and non-polar, with serine, which is neutral and polar, at codon 32 of the AGRN protein (p.Pro32Ser).

NM_198576.4(AGRN):c.94C>T (p.Pro32Ser)

Gene: AGRN (agrin; plus strand). Cytogenetic location: 1p36.33.
Variant type: single nucleotide variant.
Coding change: c.94C>T on transcript NM_198576.4 (MANE Select); coding-DNA position 94, C replaced by T.
Protein change: p.Pro32Ser; replaces proline 32 with serine.
Molecular consequence: missense variant.
Genome position (GRCh38, 1-based): chr1:1,020,266, C>T. VCF-style: chr1-1020266-C-T. GRCh37 (hg19) VCF-style: chr1-955646-C-T.
Other names: c.94C>T, p.Pro32Ser (NM_001305275.2); short protein forms P32S.
Identifiers: ClinVar variation 657693 (VCV000657693.8), dbSNP rs1570124541, ClinGen allele CA337810081.
Genomic context (GRCh38, chr1:1,020,266, plus strand): 5'-CCGCTGCTGCCGCTCCTTGTGGTGGCCGCGTGCGTCCTGCCCGGAGCCGGCGGGACATGC[C>T]CGGAGCGCGCGCTGGAGCGGCGCGAGGAGGAGGCGAACGTGGTGCTCACCGGGACGGTGG-3'
Protein context (NP_940978.2, residues 22-42): CVLPGAGGTC[Pro32Ser]ERALERREEE